The following is an entry in ClinVar:

NM_030962.4(SBF2):c.4070T>C (p.Met1357Thr)

Gene: SBF2 (SET binding factor 2; minus strand). Cytogenetic location: 11p15.4.
Variant type: single nucleotide variant.
Coding change: c.4070T>C on transcript NM_030962.4 (MANE Select); coding-DNA position 4070, T replaced by C.
Protein change: p.Met1357Thr; replaces methionine 1357 with threonine.
Molecular consequence: missense variant.
Genome position (GRCh38, 1-based): chr11:9,812,617, A>G on the plus strand (T>C on the coding strand, the complement: SBF2 is on the minus strand). VCF-style: chr11-9812617-A-G. GRCh37 (hg19) VCF-style: chr11-9834164-A-G.
Other names: c.4166T>C, p.Met1389Thr (NM_001386339.1); c.3941T>C, p.Met1314Thr (NM_001386342.1); short protein forms M1357T, M1314T, M1389T.
Identifiers: ClinVar variation 450437 (VCV000450437.2), dbSNP rs1554907847, ClinGen allele CA379643245.

ClinVar aggregate classification (germline): Uncertain significance (1 of 4 stars; one submission).

Allele frequency attached by ClinVar (database versions not stated): gnomAD exomes below 0.00001.

Submission:

GeneDx
Classification: Uncertain significance. Last evaluated: 2017-07-13. Review status: criteria provided, single submitter. Criteria: GeneDx Variant Classification (06012015). Collection method: clinical testing. Allele origin: germline. Affected: yes.
Comment: A variant of uncertain significance has been identified in the SBF2 gene. The M1357T variant has not been published as a pathogenic variant, nor has it been reported as a benign variant to our knowledge. The M1357T variant is not observed in large population cohorts (Lek et al., 2016; 1000 Genomes Consortium et al., 2015; Exome Variant Server). The M1357T variant is a non-conservative amino acid substitution, which is likely to impact secondary protein structure as these residues differ in polarity, charge, size and/or other properties. In silico analysis predicts this variant is probably damaging to the protein structure/function. However, this substitution occurs at a position where amino acids with similar properties to Methionine are tolerated across species. Therefore, based on the currently available information, it is unclear whether this variant is a pathogenic variant or a rare benign variant.